The following is an entry in ClinVar:

ClinVar aggregate classification (germline): Conflicting classifications of pathogenicity. Review status: criteria provided, conflicting classifications (1 of 4 stars). 5 submissions from 5 submitters: Uncertain significance (4); Likely benign (1). Last evaluated 2026-01-08.

Conditions:
Hereditary cancer-predisposing syndrome. Also called: Neoplastic Syndromes, Hereditary; Hereditary neoplastic syndrome; Tumor predisposition; Hereditary Cancer Syndrome. Identifiers: Orphanet 140162, MedGen C0027672, MeSH D009386, MONDO:0015356.
Intellectual disability, autosomal dominant 16 (CSS4). Also called: COFFIN-SIRIS SYNDROME 4. Identifiers: Orphanet 1465, MedGen C3553249, MONDO:0013821, OMIM 614609.
Rhabdoid tumor predisposition syndrome 2 (RTPS2). Identifiers: Orphanet 231108, Orphanet 69077, MedGen C2750074, MONDO:0013224, OMIM 613325.

Allele frequency attached by ClinVar (database versions not stated): ExAC 0.00001; gnomAD exomes 0.00001; gnomAD 0.00002; TOPMed 0.00003.
gnomAD v4.1: 20 of 1,601,704 alleles (0.0012%); highest among the groups gnomAD compares: African/African-American, 0.0054%; no homozygotes.

Submissions (5):

Labcorp Genetics (formerly Invitae), Labcorp
Classification: Uncertain significance for Rhabdoid tumor predisposition syndrome 2. Last evaluated: 2026-01-08. Review status: criteria provided, single submitter. Criteria: Invitae Variant Classification Sherloc (09022015). Collection method: clinical testing. Allele origin: germline.
Comment: This sequence change replaces glutamine, which is neutral and polar, with arginine, which is basic and polar, at codon 329 of the SMARCA4 protein (p.Gln329Arg). This variant is present in population databases (rs775843321, gnomAD 0.02%). This variant has not been reported in the literature in individuals affected with SMARCA4-related conditions. ClinVar contains an entry for this variant (Variation ID: 238536). Invitae Evidence Modeling of protein sequence and biophysical properties (such as structural, functional, and spatial information, amino acid conservation, physicochemical variation, residue mobility, and thermodynamic stability) indicates that this missense variant is not expected to disrupt SMARCA4 protein function with a negative predictive value of 95%. In summary, the available evidence is currently insufficient to determine the role of this variant in disease. Therefore, it has been classified as a Variant of Uncertain Significance.

Ambry Genetics
Classification: Likely benign for Hereditary cancer-predisposing syndrome. Last evaluated: 2024-09-27. Review status: criteria provided, single submitter. Criteria: Ambry Variant Classification Scheme 2023. Collection method: clinical testing. Allele origin: germline.

GeneDx
Classification: Uncertain significance. Last evaluated: 2024-06-10. Review status: criteria provided, single submitter. Criteria: GeneDx Variant Classification Process June 2021. Collection method: clinical testing. Allele origin: germline. Affected: yes.
Comment: In silico analysis indicates that this missense variant does not alter protein structure/function; Has not been previously published as pathogenic or benign to our knowledge

Baylor Genetics
Classification: Uncertain significance for Rhabdoid tumor predisposition syndrome 2. Last evaluated: 2023-05-22. Review status: criteria provided, single submitter. Criteria: ACMG Guidelines, 2015. Collection method: clinical testing. Allele origin: unknown.

Genome-Nilou Lab
Classification: Uncertain significance for Intellectual disability, autosomal dominant 16. Last evaluated: 2021-07-15. Review status: criteria provided, single submitter. Criteria: ACMG Guidelines, 2015. Collection method: clinical testing. Allele origin: germline. Affected: no.

NM_003072.5(SMARCA4):c.986A>G (p.Gln329Arg)

Gene: SMARCA4 (SWI/SNF related BAF chromatin remodeling complex subunit ATPase 4; plus strand). Cytogenetic location: 19p13.2.
Variant type: single nucleotide variant.
Coding change: c.986A>G on transcript NM_003072.5 (MANE Select); coding-DNA position 986, A replaced by G.
Protein change: p.Gln329Arg; replaces glutamine 329 with arginine.
Molecular consequence: missense variant. On other transcripts: non-coding transcript variant (1).
Genome position (GRCh38, 1-based): chr19:10,987,792, A>G. VCF-style: chr19-10987792-A-G. GRCh37 (hg19) VCF-style: chr19-11098468-A-G.
Other names: c.986A>G, p.Gln329Arg (NM_001128844.3, NM_001128845.2, NM_001128846.2 and 5 more transcripts); short protein forms Q329R.
Identifiers: ClinVar variation 238536 (VCV000238536.19), dbSNP rs775843321, ClinGen allele CA9203650.